The following is an entry in ClinVar:

ClinVar aggregate classification (germline): Uncertain significance (1 of 4 stars; one submission).

Conditions:
Familial cancer of breast. Also called: Hereditary breast cancer; BREAST CANCER, FAMILIAL; hereditary breast carcinoma. Identifiers: Orphanet 227535, MedGen C0346153, MONDO:0016419, OMIM 114480. Disease mechanism: loss of function.

gnomAD v4.1: 1 of 1,594,792 alleles (0.000063%); highest among the groups gnomAD compares: South Asian, 0.0012%; no homozygotes.

Submission:

Labcorp Genetics (formerly Invitae), Labcorp
Classification: Uncertain significance for Familial cancer of breast. Last evaluated: 2020-09-09. Review status: criteria provided, single submitter. Criteria: Invitae Variant Classification Sherloc (09022015). Collection method: clinical testing. Allele origin: germline.
Comment: This variant is not present in population databases (ExAC no frequency). This variant has not been reported in the literature in individuals with BARD1-related conditions. Algorithms developed to predict the effect of missense changes on protein structure and function are either unavailable or do not agree on the potential impact of this missense change (SIFT: "Deleterious"; PolyPhen-2: "Probably Damaging"; Align-GVGD: "Class C0"). In summary, the available evidence is currently insufficient to determine the role of this variant in disease. Therefore, it has been classified as a Variant of Uncertain Significance. This sequence change replaces lysine with methionine at codon 205 of the BARD1 protein (p.Lys205Met). The lysine residue is highly conserved and there is a moderate physicochemical difference between lysine and methionine.

NM_000465.4(BARD1):c.614A>T (p.Lys205Met)

Gene: BARD1 (BRCA1 associated RING domain 1; minus strand). Cytogenetic location: 2q35.
Variant type: single nucleotide variant.
Coding change: c.614A>T on transcript NM_000465.4 (MANE Select); coding-DNA position 614, A replaced by T.
Protein change: p.Lys205Met; replaces lysine 205 with methionine.
Molecular consequence: missense variant. On other transcripts: non-coding transcript variant (2), intron variant (3).
Genome position (GRCh38, 1-based): chr2:214,781,260, T>A on the plus strand (A>T on the coding strand, the complement: BARD1 is on the minus strand). VCF-style: chr2-214781260-T-A. GRCh37 (hg19) VCF-style: chr2-215645984-T-A.
Other names: c.557A>T, p.Lys186Met (NM_001282543.2); c.158+28152A>T (NM_001282548.2); c.215+15801A>T (NM_001282545.2); c.364+11037A>T (NM_001282549.2); short protein forms K186M, K205M.
Identifiers: ClinVar variation 1020890 (VCV001020890.9), dbSNP rs587782437, ClinGen allele CA350456699.